The following is an entry in ClinVar:

NM_003200.5(TCF3):c.1025C>G (p.Pro342Arg)

Gene: TCF3 (transcription factor 3; minus strand). Cytogenetic location: 19p13.3.
Variant type: single nucleotide variant.
Coding change: c.1025C>G on transcript NM_003200.5 (MANE Select); coding-DNA position 1025, C replaced by G.
Protein change: p.Pro342Arg; replaces proline 342 with arginine.
Molecular consequence: missense variant.
Genome position (GRCh38, 1-based): chr19:1,621,036, G>C on the plus strand (C>G on the coding strand, the complement: TCF3 is on the minus strand). VCF-style: chr19-1621036-G-C. GRCh37 (hg19) VCF-style: chr19-1621035-G-C.
Other names: c.1025C>G, p.Pro342Arg (NM_001136139.4, NM_001351778.2, NM_001351779.2); short protein forms P342R.
Identifiers: ClinVar variation 1719047 (VCV001719047.5), dbSNP rs747273925, ClinGen allele CA403054183.

ClinVar aggregate classification (germline): Uncertain significance (1 of 4 stars; one submission).

gnomAD v4.1: 2 of 1,525,120 alleles (0.00013%); highest among the groups gnomAD compares: Admixed American, 0.0043%; no homozygotes.

Submission:

Labcorp Genetics (formerly Invitae), Labcorp
Classification: Uncertain significance. Last evaluated: 2022-09-07. Review status: criteria provided, single submitter. Criteria: Invitae Variant Classification Sherloc (09022015). Collection method: clinical testing. Allele origin: germline.
Comment: In summary, the available evidence is currently insufficient to determine the role of this variant in disease. Therefore, it has been classified as a Variant of Uncertain Significance. Algorithms developed to predict the effect of missense changes on protein structure and function are either unavailable or do not agree on the potential impact of this missense change (SIFT: "Not Available"; PolyPhen-2: "Probably Damaging"; Align-GVGD: "Not Available"). This variant has not been reported in the literature in individuals affected with TCF3-related conditions. The frequency data for this variant in the population databases is considered unreliable, as metrics indicate poor data quality at this position in the gnomAD database. This sequence change replaces proline, which is neutral and non-polar, with arginine, which is basic and polar, at codon 342 of the TCF3 protein (p.Pro342Arg).